The following is an entry in ClinVar:

ClinVar aggregate classification (germline): Conflicting classifications of pathogenicity. Review status: criteria provided, conflicting classifications (1 of 4 stars). 5 submissions from 5 submitters: Uncertain significance (4); Likely benign (1). Last evaluated 2025-03-26.

Conditions:
Lethal acantholytic epidermolysis bullosa (EBLA). Identifiers: Orphanet 158687, MedGen C1864826, MONDO:0012323, OMIM 609638.
Arrhythmogenic cardiomyopathy with wooly hair and keratoderma. Also called: Carvajal syndrome; Dilated cardiomyopathy with woolly hair and keratoderma; Arrhythmogenic cardiomyopathy with woolly hair and keratoderma; PALMOPLANTAR KERATODERMA WITH LEFT VENTRICULAR CARDIOMYOPATHY AND WOOLLY HAIR. Identifiers: Orphanet 65282, MedGen C1854063, MONDO:0011581, OMIM 605676.
Keratosis palmoplantaris striata 2. Also called: KERATODERMA, PALMOPLANTAR, STRIATE FORM II; STRIATE PALMOPLANTAR KERATODERMA II; Keratosis palmoplantaris striata II. Identifiers: MedGen C1852127, MONDO:0013034, OMIM 612908.
Arrhythmogenic right ventricular dysplasia 8 (ARVD8). Also called: Arrhythmogenic Right Ventricular Dysplasia/Cardiomyopathy 8; ARRHYTHMOGENIC RIGHT VENTRICULAR CARDIOMYOPATHY 8; ARRHYTHMOGENIC RIGHT VENTRICULAR DYSPLASIA, FAMILIAL, 8. Identifiers: MedGen C1843896, MONDO:0011831, OMIM 607450.
Cardiomyopathy, dilated, with wooly hair, keratoderma, and tooth agenesis. Also called: Cardiomyopathy, dilated, with woolly hair, keratoderma, and tooth agenesis; Erythrokeratodermia-cardiomyopathy syndrome. Identifiers: Orphanet 476096, Orphanet 65282, MedGen C4014393, MONDO:0014355, OMIM 615821.
Woolly hair-skin fragility syndrome (WHSF). Identifiers: Orphanet 293165, MedGen C1843292, MONDO:0957307, OMIM 620415.
Cardiovascular phenotype. Identifiers: MedGen CN230736.

Allele frequency attached by ClinVar (database versions not stated): ExAC 0.00001; gnomAD 0.00001; TOPMed 0.00001; ESP Exome Variant Server 0.00008.
gnomAD v4.1: 14 of 1,609,602 alleles (0.00087%); highest among the groups gnomAD compares: African/African-American, 0.0013%; no homozygotes.

Submissions (5):

GeneDx
Classification: Uncertain significance. Last evaluated: 2025-03-26. Review status: criteria provided, single submitter. Criteria: GeneDx Variant Classification Process June 2021. Collection method: clinical testing. Allele origin: germline. Affected: yes.
Comment: Not observed at significant frequency in large population cohorts (gnomAD); In silico analysis indicates that this missense variant does not alter protein structure/function; Has not been previously published as pathogenic or benign to our knowledge

Labcorp Genetics (formerly Invitae), Labcorp
Classification: Likely benign for Arrhythmogenic cardiomyopathy with wooly hair and keratoderma; Arrhythmogenic right ventricular dysplasia 8. Last evaluated: 2024-11-05. Review status: criteria provided, single submitter. Criteria: Invitae Variant Classification Sherloc (09022015). Collection method: clinical testing. Allele origin: germline.

All of Us Research Program, National Institutes of Health
Classification: Uncertain significance for Arrhythmogenic cardiomyopathy with wooly hair and keratoderma. Last evaluated: 2024-03-05. Review status: criteria provided, single submitter. Criteria: ACMG Guidelines, 2015. Collection method: clinical testing. Allele origin: germline. Inheritance: Autosomal dominant inheritance. Observed: 4 variant alleles, 4 heterozygotes.
Comment: This missense variant replaces arginine with cysteine at codon 2826 of the DSP protein. Computational prediction suggests that this variant may not impact protein structure and function (internally defined REVEL score threshold <= 0.5, PMID: 27666373). To our knowledge, functional studies have not been reported for this variant. This variant has not been reported in individuals affected with DSP-related disorders in the literature. This variant has been identified in 2/247448 chromosomes in the general population by the Genome Aggregation Database (gnomAD). The available evidence is insufficient to determine the role of this variant in disease conclusively. Therefore, this variant is classified as a Variant of Uncertain Significance.

This study involves interpretation of variants in research participants for the purpose of population health screening. Participant phenotype was not available at the time of variant classification. Additional details can be found in publication PMID: 35346344, PMCID: PMC8962531

Ambry Genetics
Classification: Uncertain significance for Cardiovascular phenotype. Last evaluated: 2022-06-06. Review status: criteria provided, single submitter. Criteria: Ambry Variant Classification Scheme 2023. Collection method: clinical testing. Allele origin: germline.
Comment: The p.R2826C variant (also known as c.8476C>T), located in coding exon 24 of the DSP gene, results from a C to T substitution at nucleotide position 8476. The arginine at codon 2826 is replaced by cysteine, an amino acid with highly dissimilar properties. This amino acid position is conserved. In addition, the in silico prediction for this alteration is inconclusive. Since supporting evidence is limited at this time, the clinical significance of this alteration remains unclear.

Fulgent Genetics
Classification: Uncertain significance for Arrhythmogenic cardiomyopathy with wooly hair and keratoderma; Arrhythmogenic right ventricular dysplasia 8; Lethal acantholytic epidermolysis bullosa; Keratosis palmoplantaris striata 2; Cardiomyopathy, dilated, with wooly hair, keratoderma, and tooth agenesis. Last evaluated: 2022-04-05. Review status: criteria provided, single submitter. Criteria: ACMG Guidelines, 2015. Collection method: clinical testing. Allele origin: unknown.

NM_004415.4(DSP):c.8476C>T (p.Arg2826Cys)

Gene: DSP (desmoplakin; plus strand). Cytogenetic location: 6p24.3.
Variant type: single nucleotide variant.
Coding change: c.8476C>T on transcript NM_004415.4 (MANE Select); coding-DNA position 8476, C replaced by T.
Protein change: p.Arg2826Cys; replaces arginine 2826 with cysteine.
Molecular consequence: missense variant.
Genome position (GRCh38, 1-based): chr6:7,585,738, C>T. VCF-style: chr6-7585738-C-T. GRCh37 (hg19) VCF-style: chr6-7585971-C-T.
Other names: p.R2826C:CGC>TGC; c.6679C>T, p.Arg2227Cys (NM_001008844.3); c.7147C>T, p.Arg2383Cys (NM_001319034.2); c.8476C>T (LRG_423t1); short protein forms R2826C, R2227C, R2383C.
Identifiers: ClinVar variation 199911 (VCV000199911.15), dbSNP rs139969658, ClinGen allele CA007610.